The following is an entry in ClinVar:

NM_006231.4(POLE):c.4423_4435del (p.Gln1475fs)

Gene: POLE (DNA polymerase epsilon, catalytic subunit; minus strand). Cytogenetic location: 12q24.33.
Variant type: Deletion.
Coding change: c.4423_4435del on transcript NM_006231.4 (MANE Select); coding-DNA positions 4423 to 4435, 13 bases deleted (CAGTTCAGCTACC).
Protein change: p.Gln1475fs; shifts the reading frame from glutamine 1475.
Molecular consequence: frameshift variant.
Genome position (GRCh38, 1-based): chr12:132,643,416-132,643,428, GGTAGCTGAACTG deleted on the plus strand (CAGTTCAGCTACC on the coding strand, the reverse complement: POLE is on the minus strand); deleting any 13 consecutive bases within chr12:132,643,416-132,643,430 gives the same sequence; the c. name uses the placement nearest the transcript's 3' end. VCF-style (leftmost placement, unchanged base first): chr12-132643415-AGGTAGCTGAACTG-A. GRCh37 (hg19) VCF-style: chr12-133220001-AGGTAGCTGAACTG-A.
Other names: short protein forms Q1475fs.
Identifiers: ClinVar variation 4862324 (VCV004862324.1).
Genomic context (GRCh38, chr12:132,643,415, plus strand): 5'-CCCCAGATGTGTGGGAGGCAGGCACATGATGGGCGGCTGGTGCAGGCCATACCTGGTTCC[AGGTAGCTGAACTG>A]GGCCAGAGAGCGCATCTCCAGGTGCTCAAGAGCAAAGGTCTCTGCTTCCCAGCCTGAAAG-3'

ClinVar aggregate classification (germline): Uncertain significance (1 of 4 stars; one submission).

Conditions:
Hereditary cancer-predisposing syndrome. Also called: Neoplastic Syndromes, Hereditary; Tumor predisposition; Hereditary Cancer Syndrome; Hereditary neoplastic syndrome. Identifiers: Orphanet 140162, MedGen C0027672, MeSH D009386, MONDO:0015356.

Submission:

Ambry Genetics
Classification: Uncertain significance for Hereditary cancer-predisposing syndrome. Last evaluated: 2026-05-27. Review status: criteria provided, single submitter. Criteria: Ambry Variant Classification Scheme 2023. Collection method: clinical testing. Allele origin: germline.
Comment: The c.4423_4435del13 variant, located in coding exon 34 of the POLE gene, results from a deletion of 13 nucleotides at nucleotide positions 4423 to 4435, causing a translational frameshift with a predicted alternate stop codon (p.Q1475Wfs*83). This alteration is expected to result in loss of function by premature protein truncation or nonsense-mediated mRNA decay. Although biallelic loss of function of POLE has been associated with autosomal recessive POLE deficiency, haploinsufficiency of POLE has not been established as a mechanism of disease for POLE-related polymerase proofreading-associated polyposis (PPAP) and POLE-related CMMRD-like syndrome. Based on the supporting evidence, this variant is expected to be causative of POLE deficiency when present along with a second pathogenic variant on the other allele; however, its clinical significance for PPAP and POLE-related CMMRD-like syndrome is unclear.